The following is an entry in ClinVar:

ClinVar aggregate classification (germline): Benign/Likely benign. Review status: criteria provided, multiple submitters, no conflicts (2 of 4 stars). 3 submissions from 3 submitters: Benign (2); Likely benign (1). Last evaluated 2026-01-26.

Allele frequency attached by ClinVar (database versions not stated): gnomAD exomes 0.00087; ExAC 0.00104; ESP Exome Variant Server 0.00324; gnomAD 0.00391 and 0.00420; TOPMed 0.00418; 1000 Genomes Project 30x 0.00453; 1000 Genomes Project 0.00459.
gnomAD v4.1: 1,097 of 1,613,298 alleles (0.068%); highest among the groups gnomAD compares: African/African-American, 1.3%; 5 homozygotes.

Submissions (3):

Labcorp Genetics (formerly Invitae), Labcorp
Classification: Benign. Last evaluated: 2026-01-26. Review status: criteria provided, single submitter. Criteria: Invitae Variant Classification Sherloc (09022015). Collection method: clinical testing. Allele origin: germline.

GeneDx
Classification: Likely benign. Last evaluated: 2018-04-30. Review status: criteria provided, single submitter. Criteria: GeneDx Variant Classification (06012015). Collection method: clinical testing. Allele origin: germline. Affected: yes.
Comment: This variant is considered likely benign or benign based on one or more of the following criteria: it is a conservative change, it occurs at a poorly conserved position in the protein, it is predicted to be benign by multiple in silico algorithms, and/or has population frequency not consistent with disease.

Eurofins Ntd Llc (ga)
Classification: Benign. Last evaluated: 2015-01-27. Review status: criteria provided, single submitter. Criteria: EGL Classification Definitions 2015. Collection method: clinical testing. Allele origin: germline. Observed: 1 variant allele, 1 heterozygote.

NM_002768.5(CHMP1A):c.27+10G>A

Gene: CHMP1A (charged multivesicular body protein 1A; minus strand). Cytogenetic location: 16q24.3.
Variant type: single nucleotide variant.
Coding change: c.27+10G>A on transcript NM_002768.5 (MANE Select); 10 bases into the intron after coding-DNA position 27, G replaced by A.
Molecular consequence: intron variant.
Genome position (GRCh38, 1-based): chr16:89,653,894, C>T on the plus strand (G>A on the coding strand, the complement: CHMP1A is on the minus strand). VCF-style: chr16-89653894-C-T. GRCh37 (hg19) VCF-style: chr16-89720302-C-T.
Other names: c.8-2248G>A (NM_001083314.4).
Identifiers: ClinVar variation 195183 (VCV000195183.13), dbSNP rs140547967, ClinGen allele CA201616.